The following is an entry in ClinVar:

NM_000215.4(JAK3):c.*10G>A

Gene: JAK3 (Janus kinase 3; minus strand). Cytogenetic location: 19p13.11.
Variant type: single nucleotide variant.
Coding change: c.*10G>A on transcript NM_000215.4 (MANE Select); 10 bases downstream of the stop codon, G replaced by A.
Molecular consequence: 3 prime UTR variant.
Genome position (GRCh38, 1-based): chr19:17,826,733, C>T on the plus strand (G>A on the coding strand, the complement: JAK3 is on the minus strand). VCF-style: chr19-17826733-C-T. GRCh37 (hg19) VCF-style: chr19-17937542-C-T.
Identifiers: ClinVar variation 3050786 (VCV003050786.3), dbSNP rs200121857, ClinGen allele CA9301334.

ClinVar aggregate classification (germline): Likely benign. Review status: criteria provided, single submitter (1 of 4 stars). 2 submissions from 2 submitters: Likely benign (1). 1 of the submissions does not count toward it. Last evaluated 2024-10-29.

Conditions:
JAK3-related disorder. Also called: JAK3-related condition.

Allele frequency attached by ClinVar (database versions not stated): gnomAD exomes 0.00006; ExAC 0.00016; gnomAD 0.00026; 1000 Genomes Project 30x 0.00031; TOPMed 0.00036; 1000 Genomes Project 0.00040.
gnomAD v4.1: 137 of 1,613,922 alleles (0.0085%); highest among the groups gnomAD compares: Admixed American, 0.07%; no homozygotes.

Submissions (2):

Blueprint Genetics
Classification: Likely benign. Last evaluated: 2024-10-29. Review status: criteria provided, single submitter. Criteria: ACMG Guidelines, 2015. Collection method: clinical testing. Allele origin: germline.

PreventionGenetics, part of Exact Sciences
Classification: Likely benign for JAK3-related condition. Last evaluated: 2019-02-19. Review status: no assertion criteria provided. Collection method: clinical testing. Allele origin: germline. Not counted in ClinVar's aggregate classification.
Comment: This variant is classified as likely benign based on ACMG/AMP sequence variant interpretation guidelines (Richards et al. 2015 PMID: 25741868, with internal and published modifications).